The following is an entry in ClinVar:

ClinVar aggregate classification (germline): Uncertain significance (1 of 4 stars; one submission).

Submission:

Labcorp Genetics (formerly Invitae), Labcorp
Classification: Uncertain significance. Last evaluated: 2022-04-08. Review status: criteria provided, single submitter. Criteria: Invitae Variant Classification Sherloc (09022015). Collection method: clinical testing. Allele origin: germline.
Comment: In summary, the available evidence is currently insufficient to determine the role of this variant in disease. Therefore, it has been classified as a Variant of Uncertain Significance. Algorithms developed to predict the effect of sequence changes on RNA splicing suggest that this variant may disrupt the consensus splice site. This variant has not been reported in the literature in individuals affected with COL9A3-related conditions. This sequence change affects a donor splice site in intron 28 of the COL9A3 gene. It is expected to disrupt RNA splicing. Variants that disrupt the donor or acceptor splice site typically lead to a loss of protein function (PMID: 16199547), however the current clinical and genetic evidence is not sufficient to establish whether loss-of-function variants in COL9A3 cause disease. This variant is not present in population databases (gnomAD no frequency).

Literature cited by the submitters: PubMed 16199547.

NM_001853.4(COL9A3):c.1548+1G>C

Genes: COL9A3 (collagen type IX alpha 3 chain; plus strand), LOC126863084 (MED14-independent group 3 enhancer GRCh37_chr20:61467141-61468340; plus strand). Cytogenetic location: 20q13.33.
Variant type: single nucleotide variant.
Coding change: c.1548+1G>C on transcript NM_001853.4 (MANE Select); the canonical splice donor site of the intron after coding-DNA position 1548, G replaced by C.
Molecular consequence: splice donor variant.
Genome position (GRCh38, 1-based): chr20:62,836,334, G>C. VCF-style: chr20-62836334-G-C. GRCh37 (hg19) VCF-style: chr20-61467686-G-C.
Identifiers: ClinVar variation 2123377 (VCV002123377.4), dbSNP rs2516085908, ClinGen allele CA409598263.
Genomic context (GRCh38, chr20:62,836,334, plus strand): 5'-CCTCTGGGCCTGCAGGGCGTCCCGGGTGTTCCTGGCATCACGGGGAAGCCGGGAGTTCCG[G>C]TACGTCGCTTTTCCGGCTTTTCCAGCTTTCACAGGGTTGAGATCGTGTTTTTTCCGGAAG-3'